The following is an entry in ClinVar:

ClinVar aggregate classification (germline): Pathogenic. Review status: criteria provided, single submitter (1 of 4 stars). 2 submissions from 2 submitters: Pathogenic (1). 1 of the submissions does not count toward it. Last evaluated 2014-07-03.

Conditions:
Immunodeficiency 23 (IMD23). Also called: IMMUNODEFICIENCY WITH HYPER IgE AND COGNITIVE IMPAIRMENT; IMMUNODEFICIENCY-VASCULITIS-MYOCLONUS SYNDROME. Identifiers: Orphanet 443811, MedGen C4014371, MONDO:0014353, OMIM 615816.

gnomAD v4.1: 1 of 1,614,084 alleles (0.000062%); highest among the groups gnomAD compares: Non-Finnish European, 0.000085%; no homozygotes.

Submissions (2):

Lupski Lab, Baylor-Hopkins CMG, Baylor College of Medicine
Classification: Pathogenic for Immunodeficiency 23. Last evaluated: 2014-07-03. Review status: criteria provided, single submitter. Criteria: Stray-Pedersen et al. (AJHG 2014). Collection method: research. Allele origin: inherited. Inheritance: Autosomal recessive inheritance. Affected: yes and no. Observed: 2 variant alleles, 1 heterozygote, 1 compound heterozygote.
Comment: segregates with the phenotype in an affected family

OMIM
Classification: Pathogenic for IMMUNODEFICIENCY 23. Last evaluated: 2014-07-03. Review status: no assertion criteria provided. Collection method: literature only. Allele origin: germline. Not counted in ClinVar's aggregate classification.

Literature cited by the submitters: PubMed 24931394 (cited by OMIM).

NM_015599.3(PGM3):c.715G>C (p.Asp239His)

Gene: PGM3 (phosphoglucomutase 3; minus strand). Cytogenetic location: 6q14.1.
Variant type: single nucleotide variant.
Coding change: c.715G>C on transcript NM_015599.3 (MANE Select); coding-DNA position 715, G replaced by C.
Protein change: p.Asp239His; replaces aspartic acid 239 with histidine.
Molecular consequence: missense variant. On other transcripts: non-coding transcript variant (1).
Genome position (GRCh38, 1-based): chr6:83,181,808, C>G on the plus strand (G>C on the coding strand, the complement: PGM3 is on the minus strand). VCF-style: chr6-83181808-C-G. GRCh37 (hg19) VCF-style: chr6-83891527-C-G.
Other names: c.799G>C, p.Asp267His (NM_001199917.2, NM_001367287.1); c.472G>C, p.Asp158His (NM_001199918.2); c.715G>C, p.Asp239His (NM_001199919.2, NM_001367286.1); short protein forms D239H, D267H, D158H.
Identifiers: ClinVar variation 224830 (VCV000224830.2), dbSNP rs869312886, ClinGen allele CA357929.
Genomic context (GRCh38, chr6:83,181,808, plus strand): 5'-TCTGATGACTTTTCACAAAGTCAGCTCCACATAAATGATTGAGTTTGCCCTTGGACCCAT[C>G]ATTAAACAGCTGAACTGACAGGCCCTGTGAGAAGTAGTGTTCCATTTCCCTTAGCTTCAG-3'
Protein context (NP_056414.1, residues 229-249): SQGLSVQLFN[Asp239His]GSKGKLNHLC